The following is an entry in ClinVar:

ClinVar aggregate classification (germline): Benign. Review status: criteria provided, multiple submitters, no conflicts (2 of 4 stars). 3 submissions from 3 submitters: Benign (2). 1 of the submissions does not count toward it. Last evaluated 2019-12-31.

Conditions:
PTPRT-related disorder. Also called: PTPRT-related condition.

Allele frequency attached by ClinVar (database versions not stated): gnomAD exomes 0.00244 and 0.00618; ExAC 0.00741; gnomAD 0.02288 and 0.02447; ESP Exome Variant Server 0.02486; 1000 Genomes Project 0.02596; TOPMed 0.02596; 1000 Genomes Project 30x 0.02639.
gnomAD v4.1: 7,212 of 1,614,112 alleles (0.45%); highest among the groups gnomAD compares: African/African-American, 8%; 242 homozygotes.

Submissions (3):

Labcorp Genetics (formerly Invitae), Labcorp
Classification: Benign. Last evaluated: 2019-12-31. Review status: criteria provided, single submitter. Criteria: Invitae Variant Classification Sherloc (09022015). Collection method: clinical testing. Allele origin: germline.

Breakthrough Genomics
Classification: Benign. Review status: criteria provided, single submitter. Criteria: ACMG Guidelines, 2015. Collection method: not provided. Allele origin: germline. Inheritance: Unknown mechanism. Affected: yes.

PreventionGenetics, part of Exact Sciences
Classification: Benign for PTPRT-related condition. Last evaluated: 2019-09-19. Review status: no assertion criteria provided. Collection method: clinical testing. Allele origin: germline. Not counted in ClinVar's aggregate classification.
Comment: This variant is classified as benign based on ACMG/AMP sequence variant interpretation guidelines (Richards et al. 2015 PMID: 25741868, with internal and published modifications).

NM_007050.6(PTPRT):c.2437G>A (p.Ala813Thr)

Gene: PTPRT (protein tyrosine phosphatase receptor type T; minus strand). Cytogenetic location: 20q12.
Variant type: single nucleotide variant.
Coding change: c.2437G>A on transcript NM_007050.6 (MANE Select); coding-DNA position 2437, G replaced by A.
Protein change: p.Ala813Thr; replaces alanine 813 with threonine.
Molecular consequence: missense variant.
Genome position (GRCh38, 1-based): chr20:42,199,294, C>T on the plus strand (G>A on the coding strand, the complement: PTPRT is on the minus strand). VCF-style: chr20-42199294-C-T. GRCh37 (hg19) VCF-style: chr20-40827934-C-T.
Other names: c.2494G>A, p.Ala832Thr (NM_133170.4); short protein forms A832T, A813T.
Identifiers: ClinVar variation 769092 (VCV000769092.7), dbSNP rs61749502, ClinGen allele CA9864264.